The following is an entry in ClinVar:

NM_206933.4(USH2A):c.9371+1G>T

Gene: USH2A (usherin; minus strand). Cytogenetic location: 1q41.
Variant type: single nucleotide variant.
Coding change: c.9371+1G>T on transcript NM_206933.4 (MANE Select); the canonical splice donor site of the intron after coding-DNA position 9371, G replaced by T.
Molecular consequence: splice donor variant.
Genome position (GRCh38, 1-based): chr1:215,837,990, C>A on the plus strand (G>T on the coding strand, the complement: USH2A is on the minus strand). VCF-style: chr1-215837990-C-A. GRCh37 (hg19) VCF-style: chr1-216011332-C-A.
Identifiers: ClinVar variation 2202952 (VCV002202952.6), dbSNP rs41308425, ClinGen allele CA344834527.
Genomic context (GRCh38, chr1:215,837,990, plus strand): 5'-TTTTTATTTTCATTTCTTCTGATCAGAGTTCCTTAGATTTAACTGACACAAAATTTTGTA[C>A]CTTGAAGTGATGCCACGAATTGTGGGTGTTGGTATATCACTTGGAGTGTCTTCCACAGTG-3'

ClinVar aggregate classification (germline): Pathogenic. Review status: criteria provided, multiple submitters, no conflicts (2 of 4 stars). 3 submissions from 3 submitters: Pathogenic (3). Last evaluated 2024-03-12.

Conditions:
USH2A-related disorder. Also called: USH2A-related disorders; USH2A-related condition. Identifiers: MedGen CN239332.
Retinitis pigmentosa 39 (RP39). Identifiers: Orphanet 791, MedGen C3151138, MONDO:0013436, OMIM 613809.

gnomAD v4.1: 1 of 1,612,400 alleles (0.000062%); no homozygotes.

Submissions (3):

Labcorp Genetics (formerly Invitae), Labcorp
Classification: Pathogenic. Last evaluated: 2024-03-12. Review status: criteria provided, single submitter. Criteria: Invitae Variant Classification Sherloc (09022015). Collection method: clinical testing. Allele origin: germline.
Comment: This sequence change affects a donor splice site in intron 47 of the USH2A gene. It is expected to disrupt RNA splicing. Variants that disrupt the donor or acceptor splice site typically lead to a loss of protein function (PMID: 16199547), and loss-of-function variants in USH2A are known to be pathogenic (PMID: 10729113, 10909849, 20507924, 25649381). This variant is not present in population databases (gnomAD no frequency). Disruption of this splice site has been observed in individuals with USH2A-related conditions (PMID: 22135276, 24938718, 26377068, 27460420). ClinVar contains an entry for this variant (Variation ID: 2202952). Algorithms developed to predict the effect of sequence changes on RNA splicing suggest that this variant may disrupt the consensus splice site. For these reasons, this variant has been classified as Pathogenic.

Blueprint Genetics
Classification: Pathogenic for USH2A-related disorders. Last evaluated: 2023-06-27. Review status: criteria provided, single submitter. Criteria: ACMG Guidelines, 2015. Collection method: clinical testing. Allele origin: germline. Affected: yes. Observed: 4 variant alleles.

Baylor Genetics
Classification: Pathogenic for Retinitis pigmentosa 39. Last evaluated: 2023-06-18. Review status: criteria provided, single submitter. Criteria: ACMG Guidelines, 2015. Collection method: clinical testing. Allele origin: unknown.

Literature cited by the submitters: PubMed 16199547 (cited by Labcorp Genetics (formerly Invitae), Labcorp); PubMed 10729113 (cited by Labcorp Genetics (formerly Invitae), Labcorp); PubMed 10909849 (cited by Labcorp Genetics (formerly Invitae), Labcorp); PubMed 20507924 (cited by Labcorp Genetics (formerly Invitae), Labcorp); PubMed 25649381 (cited by Labcorp Genetics (formerly Invitae), Labcorp); PubMed 22135276 (cited by Labcorp Genetics (formerly Invitae), Labcorp); PubMed 24938718 (cited by Labcorp Genetics (formerly Invitae), Labcorp); PubMed 26377068 (cited by Labcorp Genetics (formerly Invitae), Labcorp); PubMed 27460420 (cited by Labcorp Genetics (formerly Invitae), Labcorp).